The following is an entry in ClinVar:

NM_001035.3(RYR2):c.13457C>G (p.Ala4486Gly)

Gene: RYR2 (ryanodine receptor 2; plus strand). Cytogenetic location: 1q43.
Variant type: single nucleotide variant.
Coding change: c.13457C>G on transcript NM_001035.3 (MANE Select); coding-DNA position 13457, C replaced by G.
Protein change: p.Ala4486Gly; replaces alanine 4486 with glycine.
Molecular consequence: missense variant.
Genome position (GRCh38, 1-based): chr1:237,788,116, C>G. VCF-style: chr1-237788116-C-G. GRCh37 (hg19) VCF-style: chr1-237951416-C-G.
Other names: c.13457C>G, p.Ala4486Gly (LRG_402t1); short protein forms A4486G.
Identifiers: ClinVar variation 580320 (VCV000580320.21), dbSNP rs779309213, ClinGen allele CA085375.

ClinVar aggregate classification (germline): Conflicting classifications of pathogenicity. Review status: criteria provided, conflicting classifications (1 of 4 stars). 6 submissions from 6 submitters: Uncertain significance (5); Likely benign (1). Last evaluated 2026-04-08.

Conditions:
Catecholaminergic polymorphic ventricular tachycardia (CVPT). Also called: Catecholamine-induced polymorphic ventricular tachycardia. Identifiers: Orphanet 3286, MedGen C5574922, MONDO:0017990.
Catecholaminergic polymorphic ventricular tachycardia 1. Also called: VENTRICULAR TACHYCARDIA, STRESS-INDUCED POLYMORPHIC 1; RYR2-Related Catecholaminergic Polymorphic Ventricular Tachycardia; VENTRICULAR TACHYCARDIA, CATECHOLAMINERGIC POLYMORPHIC, 1, WITH OR WITHOUT ATRIAL DYSFUNCTION AND/OR DILATED CARDIOMYOPATHY. Identifiers: Orphanet 3286, MedGen C1631597, MONDO:0011484, OMIM 604772.
Cardiovascular phenotype. Identifiers: MedGen CN230736.
Cardiomyopathy (CMYO). Also called: Cardiomyopathies. Identifiers: Orphanet 167848, MedGen C0878544, MONDO:0004994, HP:0001638. Inheritance: Various modes of inheritance.

Allele frequency attached by ClinVar (database versions not stated): ExAC 0.00001; gnomAD 0.00001; gnomAD exomes 0.00001; TOPMed 0.00002.
gnomAD v4.1: 21 of 1,610,640 alleles (0.0013%); highest among the groups gnomAD compares: Non-Finnish European, 0.0018%; no homozygotes.

Submissions (6):

GeneDx
Classification: Uncertain significance. Last evaluated: 2026-04-08. Review status: criteria provided, single submitter. Criteria: GeneDx Variant Classification Process June 2021. Collection method: clinical testing. Allele origin: germline.
Comment: Identified in an individual with arrhythmogenic cardiomyopathy in published literature (PMID: 36291626); Not observed at significant frequency in large population cohorts (gnomAD); In silico analysis supports that this missense variant has a deleterious effect on protein structure/function; Located in one of the three hot-spot regions of the RYR2 gene, where the majority of pathogenic missense variants occur (PMID: 19926015); This variant is associated with the following publications: (PMID: 19926015, 36291626)

Labcorp Genetics (formerly Invitae), Labcorp
Classification: Uncertain significance for Catecholaminergic polymorphic ventricular tachycardia 1. Last evaluated: 2026-01-18. Review status: criteria provided, single submitter. Criteria: Invitae Variant Classification Sherloc (09022015). Collection method: clinical testing. Allele origin: germline.
Comment: This sequence change replaces alanine, which is neutral and non-polar, with glycine, which is neutral and non-polar, at codon 4486 of the RYR2 protein (p.Ala4486Gly). This variant is present in population databases (rs779309213, gnomAD 0.003%). This missense change has been observed in individual(s) with arrhythmogenic cardiomyopathy (PMID: 36291626). ClinVar contains an entry for this variant (Variation ID: 580320). Invitae Evidence Modeling of protein sequence and biophysical properties (such as structural, functional, and spatial information, amino acid conservation, physicochemical variation, residue mobility, and thermodynamic stability) has been performed for this missense variant. However, the output from this modeling did not meet the statistical confidence thresholds required to predict the impact of this variant on RYR2 protein function. In summary, the available evidence is currently insufficient to determine the role of this variant in disease. Therefore, it has been classified as a Variant of Uncertain Significance.

Ambry Genetics
Classification: Uncertain significance for Cardiovascular phenotype. Last evaluated: 2025-11-04. Review status: criteria provided, single submitter. Criteria: Ambry Variant Classification Scheme 2023. Collection method: clinical testing. Allele origin: germline.
Comment: The p.A4486G variant (also known as c.13457C>G), located in coding exon 92 of the RYR2 gene, results from a C to G substitution at nucleotide position 13457. The alanine at codon 4486 is replaced by glycine, an amino acid with similar properties. This variant has been detected in an an individual reported to have arrhythmogenic cardiomyopathy; however, details were not provided (Mazzaccara C et al. Biomolecules. 2022 Oct;12(10)). This amino acid position is highly conserved in available vertebrate species. In addition, the in silico prediction for this alteration is inconclusive. Since supporting evidence is limited at this time, the clinical significance of this alteration remains unclear.

All of Us Research Program, National Institutes of Health
Classification: Uncertain significance for Catecholaminergic polymorphic ventricular tachycardia. Last evaluated: 2024-09-23. Review status: criteria provided, single submitter. Criteria: ACMG Guidelines, 2015. Collection method: clinical testing. Allele origin: germline. Inheritance: Autosomal dominant inheritance. Observed: 11 variant alleles, 11 heterozygotes.
Comment: This missense variant replaces alanine with glycine at codon 4486 of the RYR2 protein. Computational prediction is inconclusive regarding the impact of this variant on protein structure and function (internally defined REVEL score threshold 0.5 < inconclusive < 0.7, PMID: 27666373). Splice site prediction tools suggest that this variant may not impact RNA splicing. To our knowledge, functional studies have not been performed for this variant. This variant has not been reported in individuals affected with cardiovascular disorders in the literature. This variant has been identified in 3/245634 chromosomes in the general population by the Genome Aggregation Database (gnomAD). The available evidence is insufficient to determine the role of this variant in disease conclusively. Therefore, this variant is classified as a Variant of Uncertain Significance.

This study involves interpretation of variants in research participants for the purpose of population health screening. Participant phenotype was not available at the time of variant classification. Additional details can be found in publication PMID: 35346344, PMCID: PMC8962531

Color Diagnostics, LLC DBA Color Health
Classification: Uncertain significance for Cardiomyopathy. Last evaluated: 2024-03-07. Review status: criteria provided, single submitter. Criteria: ACMG Guidelines, 2015. Collection method: clinical testing. Allele origin: germline.
Comment: This missense variant replaces alanine with glycine at codon 4486 of the RYR2 protein. Computational prediction is inconclusive regarding the impact of this variant on protein structure and function (internally defined REVEL score threshold 0.5 < inconclusive < 0.7, PMID: 27666373). To our knowledge, functional studies have not been reported for this variant. This variant has been reported in an individual suspected of having arrhythmogenic cardiomyopathy (PMID: 36291626). This variant has been identified in 3/245634 chromosomes in the general population by the Genome Aggregation Database (gnomAD). The available evidence is insufficient to determine the role of this variant in disease conclusively. Therefore, this variant is classified as a Variant of Uncertain Significance.

Blueprint Genetics
Classification: Likely benign. Last evaluated: 2022-10-07. Review status: criteria provided, single submitter. Criteria: ACMG Guidelines, 2015. Collection method: clinical testing. Allele origin: germline.

Literature cited by the submitters: PubMed 36291626 (cited by 3 submitters).